The following is an entry in ClinVar:

ClinVar aggregate classification (germline): Uncertain significance (1 of 4 stars; one submission).

Conditions:
Glycogen storage disease due to muscle beta-enolase deficiency (GSD13). Also called: ENOLASE 3 DEFICIENCY; ENOLASE-BETA DEFICIENCY; GSD XIII; Glycogen Storage Disease Type XIII. Identifiers: Orphanet 99849, MedGen C2752027, MONDO:0013046, OMIM 612932.

Allele frequency attached by ClinVar (database versions not stated): ExAC 0.00001; gnomAD 0.00002; TOPMed 0.00003.
gnomAD v4.1: 15 of 1,614,028 alleles (0.00093%); highest among the groups gnomAD compares: East Asian, 0.0045%; no homozygotes.

Submission:

Labcorp Genetics (formerly Invitae), Labcorp
Classification: Uncertain significance for Glycogen storage disease due to muscle beta-enolase deficiency. Last evaluated: 2022-04-13. Review status: criteria provided, single submitter. Criteria: Invitae Variant Classification Sherloc (09022015). Collection method: clinical testing. Allele origin: germline.
Comment: This sequence change replaces serine, which is neutral and polar, with leucine, which is neutral and non-polar, at codon 309 of the ENO3 protein (p.Ser309Leu). In summary, the available evidence is currently insufficient to determine the role of this variant in disease. Therefore, it has been classified as a Variant of Uncertain Significance. Algorithms developed to predict the effect of missense changes on protein structure and function (SIFT, PolyPhen-2, Align-GVGD) all suggest that this variant is likely to be tolerated. This variant has not been reported in the literature in individuals affected with ENO3-related conditions. This variant is present in population databases (rs762985992, gnomAD 0.003%).

NM_053013.4(ENO3):c.926C>T (p.Ser309Leu)

Gene: ENO3 (enolase 3; plus strand). Cytogenetic location: 17p13.2.
Variant type: single nucleotide variant.
Coding change: c.926C>T on transcript NM_053013.4 (MANE Select); coding-DNA position 926, C replaced by T.
Protein change: p.Ser309Leu; replaces serine 309 with leucine.
Molecular consequence: missense variant.
Genome position (GRCh38, 1-based): chr17:4,956,002, C>T. VCF-style: chr17-4956002-C-T. GRCh37 (hg19) VCF-style: chr17-4859297-C-T.
Other names: c.797C>T, p.Ser266Leu (NM_001193503.2); c.926C>T, p.Ser309Leu (NM_001374523.1, NM_001976.5); c.953C>T, p.Ser318Leu (NM_001374524.1); short protein forms S309L, S266L, S318L.
Identifiers: ClinVar variation 2068165 (VCV002068165.4), dbSNP rs762985992, ClinGen allele CA8316497.
Genomic context (GRCh38, chr17:4,956,002, plus strand): 5'-TGGTCTCCATCGAAGACCCCTTTGACCAGGATGACTGGGCCACTTGGACCTCCTTCCTCT[C>T]GGGGGTGAACATCCAGATTGTGGGGGATGACTTGACAGTCACCAACCCCAAGAGGATTGC-3'
Protein context (NP_443739.3, residues 299-319): DDWATWTSFL[Ser309Leu]GVNIQIVGDD